The following is an entry in ClinVar:

ClinVar aggregate classification (germline): Conflicting classifications of pathogenicity. Review status: criteria provided, conflicting classifications (1 of 4 stars). 2 submissions from 2 submitters: Uncertain significance (1); Likely benign (1). Last evaluated 2022-10-27.

Conditions:
Hereditary cancer-predisposing syndrome. Also called: Neoplastic Syndromes, Hereditary; Tumor predisposition; Hereditary Cancer Syndrome; Hereditary neoplastic syndrome. Identifiers: Orphanet 140162, MedGen C0027672, MeSH D009386, MONDO:0015356.
Ataxia-telangiectasia syndrome (AT). Also called: Ataxia telangiectasia (A-T); ATAXIA-TELANGIECTASIA, COMPLEMENTATION GROUP A; ATAXIA-TELANGIECTASIA, FRESNO VARIANT; Ataxia-telangiectasia; Ataxia-telangiectasia, complementation group E; LOUIS-BAR SYNDROME. Identifiers: Orphanet 100, MedGen C0004135, MONDO:0008840, OMIM 208900.

Allele frequency attached by ClinVar (database versions not stated): gnomAD exomes below 0.00001.
gnomAD v4.1: 1 of 1,614,098 alleles (0.000062%); highest among the groups gnomAD compares: Non-Finnish European, 0.000085%; no homozygotes.

Submissions (2):

Ambry Genetics
Classification: Likely benign for Hereditary cancer-predisposing syndrome. Last evaluated: 2022-10-27. Review status: criteria provided, single submitter. Criteria: Ambry Variant Classification Scheme 2023. Collection method: clinical testing. Allele origin: germline.

Labcorp Genetics (formerly Invitae), Labcorp
Classification: Uncertain significance for Ataxia-telangiectasia syndrome. Last evaluated: 2021-11-12. Review status: criteria provided, single submitter. Criteria: Invitae Variant Classification Sherloc (09022015). Collection method: clinical testing. Allele origin: germline.
Comment: This sequence change replaces arginine, which is basic and polar, with glycine, which is neutral and non-polar, at codon 2161 of the ATM protein (p.Arg2161Gly). This variant is not present in population databases (gnomAD no frequency). In summary, the available evidence is currently insufficient to determine the role of this variant in disease. Therefore, it has been classified as a Variant of Uncertain Significance. Advanced modeling of protein sequence and biophysical properties (such as structural, functional, and spatial information, amino acid conservation, physicochemical variation, residue mobility, and thermodynamic stability) performed at Invitae indicates that this missense variant is not expected to disrupt ATM protein function. ClinVar contains an entry for this variant (Variation ID: 1009988). This variant has not been reported in the literature in individuals affected with ATM-related conditions.

NM_000051.4(ATM):c.6481C>G (p.Arg2161Gly)

Genes: C11orf65 (chromosome 11 open reading frame 65; minus strand), ATM (ATM serine/threonine kinase; plus strand). Cytogenetic location: 11q22.3.
Variant type: single nucleotide variant.
Coding change: c.6481C>G on transcript NM_000051.4 (MANE Select); coding-DNA position 6481, C replaced by G.
Protein change: p.Arg2161Gly; replaces arginine 2161 with glycine.
Molecular consequence: missense variant. On other transcripts: intron variant (2).
Genome position (GRCh38, 1-based): chr11:108,321,329, C>G. VCF-style: chr11-108321329-C-G. GRCh37 (hg19) VCF-style: chr11-108192056-C-G.
Other names: c.6481C>G, p.Arg2161Gly (NM_001351834.2); c.641-12258G>C (NM_001330368.2); c.*39-12258G>C (NM_001351110.2); short protein forms R2161G.
Identifiers: ClinVar variation 1009988 (VCV001009988.9), dbSNP rs1064793958, ClinGen allele CA382553967.